The following is an entry in ClinVar:

NM_001040151.2(SCN3B):c.160G>A (p.Val54Met)

Gene: SCN3B (sodium voltage-gated channel beta subunit 3; minus strand). Cytogenetic location: 11q24.1.
Variant type: single nucleotide variant.
Coding change: c.160G>A on transcript NM_001040151.2 (MANE Select); coding-DNA position 160, G replaced by A.
Protein change: p.Val54Met; replaces valine 54 with methionine.
Molecular consequence: missense variant.
Genome position (GRCh38, 1-based): chr11:123,645,646, C>T on the plus strand (G>A on the coding strand, the complement: SCN3B is on the minus strand). VCF-style: chr11-123645646-C-T. GRCh37 (hg19) VCF-style: chr11-123516354-C-T.
Other names: c.160G>A, p.Val54Met (NM_018400.4); short protein forms V54M.
Identifiers: ClinVar variation 956686 (VCV000956686.10), dbSNP rs377237114, ClinGen allele CA6334074.
Genomic context (GRCh38, chr11:123,645,646, plus strand): 5'-CAAGGAAATCTTTACCGCCCTCGGGCCTGTAGAACCATTCCACCACCGTGGTGGCCTCCA[C>T]CTCCTCTCTCTTCATGCAGGAGATGCAGCGCAGCTTCATGGGGTTGCCCTGCACGGCCTC-3'
Protein context (NP_001035241.1, residues 44-64): RCISCMKREE[Val54Met]EATTVVEWFY

ClinVar aggregate classification (germline): Uncertain significance. Review status: criteria provided, multiple submitters, no conflicts (2 of 4 stars). 2 submissions from 2 submitters: Uncertain significance (2). Last evaluated 2024-12-14.

Conditions:
Cardiovascular phenotype. Identifiers: MedGen CN230736.
Brugada syndrome 7 (BRGDA7). Identifiers: Orphanet 130, MedGen C2751088, MONDO:0013146, OMIM 613120.

Allele frequency attached by ClinVar (database versions not stated): gnomAD exomes 0.00001; ExAC 0.00002; gnomAD 0.00003 and 0.00004; TOPMed 0.00004; ESP Exome Variant Server 0.00015.
gnomAD v4.1: 68 of 1,614,092 alleles (0.0042%); highest among the groups gnomAD compares: Non-Finnish European, 0.0057%; no homozygotes.

Submissions (2):

Ambry Genetics
Classification: Uncertain significance for Cardiovascular phenotype. Last evaluated: 2024-12-14. Review status: criteria provided, single submitter. Criteria: Ambry Variant Classification Scheme 2023. Collection method: clinical testing. Allele origin: germline.

Labcorp Genetics (formerly Invitae), Labcorp
Classification: Uncertain significance for Brugada syndrome 7. Last evaluated: 2024-12-04. Review status: criteria provided, single submitter. Criteria: Invitae Variant Classification Sherloc (09022015). Collection method: clinical testing. Allele origin: germline.
Comment: This sequence change replaces valine, which is neutral and non-polar, with methionine, which is neutral and non-polar, at codon 54 of the SCN3B protein (p.Val54Met). This variant is present in population databases (rs377237114, gnomAD 0.003%). This variant has not been reported in the literature in individuals affected with SCN3B-related conditions. ClinVar contains an entry for this variant (Variation ID: 956686). An algorithm developed to predict the effect of missense changes on protein structure and function (PolyPhen-2) suggests that this variant is likely to be disruptive. In summary, the available evidence is currently insufficient to determine the role of this variant in disease. Therefore, it has been classified as a Variant of Uncertain Significance.